The following is an entry in ClinVar:

NM_000218.3(KCNQ1):c.207G>T (p.Ala69=)

Gene: KCNQ1 (potassium voltage-gated channel subfamily Q member 1; plus strand). Cytogenetic location: 11p15.5.
Variant type: single nucleotide variant.
Coding change: c.207G>T on transcript NM_000218.3 (MANE Select); coding-DNA position 207, G replaced by T.
Protein change: p.Ala69=; no amino-acid change (alanine 69 retained).
Molecular consequence: synonymous variant.
Genome position (GRCh38, 1-based): chr11:2,445,305, G>T. VCF-style: chr11-2445305-G-T. GRCh37 (hg19) VCF-style: chr11-2466535-G-T.
Other names: p.A69A:GCG>GCT; p.Ala69=.
Identifiers: ClinVar variation 138010 (VCV000138010.65), dbSNP rs587781009, ClinGen allele CA006695.
Genomic context (GRCh38, chr11:2,445,305, plus strand): 5'-GCTCTACGCGCCCATCGCGCCCGGCGCCCCAGGTCCCGCGCCCCCTGCGTCCCCGGCCGC[G>T]CCCGCCGCGCCCCCAGTTGCCTCCGACCTTGGCCCGCGGCCGCCGGTGAGCCTAGACCCG-3'
Protein context (NP_000209.2, residues 59-79): PGPAPPASPA[Ala69=]PAAPPVASDL

ClinVar aggregate classification (germline): Benign/Likely benign. Review status: criteria provided, multiple submitters, no conflicts (2 of 4 stars). 17 submissions from 14 submitters: Benign (2); Likely benign (11). 4 of the submissions do not count toward it. Last evaluated 2026-09-01.

Conditions:
Cardiovascular phenotype. Identifiers: MedGen CN230736.
Long QT syndrome (LQTS). Identifiers: MedGen C0023976, MeSH D008133, MONDO:0002442. Disease mechanism: loss of function. Inheritance: Various modes of inheritance.
Long QT syndrome 1 (LQT1). Identifiers: Orphanet 101016, Orphanet 768, MedGen C4551647, MONDO:0100316, OMIM 192500, MONDO:0008646.
Atrial fibrillation, familial, 3 (ATFB3). Identifiers: MedGen C1837014, MONDO:0011857, OMIM 607554.
Short QT syndrome type 2. Identifiers: Orphanet 51083, MedGen C1865019, MONDO:0012313, OMIM 609621.
Jervell and Lange-Nielsen syndrome 1 (JLNS1). Also called: DEAFNESS, CONGENITAL, AND FUNCTIONAL HEART DISEASE; CARDIOAUDITORY SYNDROME OF JERVELL AND LANGE-NIELSEN; PROLONGED QT INTERVAL IN EKG AND SUDDEN DEATH; SURDO-CARDIAC SYNDROME. Identifiers: Orphanet 768, Orphanet 90647, MedGen C4551509, MONDO:0024540, OMIM 220400.

Allele frequency attached by ClinVar (database versions not stated): TOPMed 0.00052.
gnomAD v4.1: 550 of 1,439,640 alleles (0.038%); highest among the groups gnomAD compares: Middle Eastern, 1.3%; 6 homozygotes.

Submissions (17):

CeGaT Center for Human Genetics Tuebingen
Classification: Likely benign. Last evaluated: 2026-09-01. Review status: criteria provided, single submitter. Criteria: CeGaT Center For Human Genetics Tuebingen Variant Classification Criteria Version 2. Collection method: clinical testing. Allele origin: germline. Affected: yes. Observed: 20 variant alleles.
Comment: KCNQ1: BP4, BP7

Labcorp Genetics (formerly Invitae), Labcorp
Classification: Likely benign for Long QT syndrome. Last evaluated: 2026-01-28. Review status: criteria provided, single submitter. Criteria: Invitae Variant Classification Sherloc (09022015). Collection method: clinical testing. Allele origin: germline.

Molecular Diagnostic Laboratory for Inherited Cardiovascular Disease, Montreal Heart Institute
Classification: Likely benign. Last evaluated: 2025-04-08. Review status: criteria provided, single submitter. Criteria: ACMG Guidelines, 2015. Collection method: clinical testing. Allele origin: germline. Affected: no.

Blueprint Genetics
Classification: Likely benign. Last evaluated: 2024-09-27. Review status: criteria provided, single submitter. Criteria: ACMG Guidelines, 2015. Collection method: clinical testing. Allele origin: germline.

Illumina Laboratory Services, Illumina
Classification: Likely benign for Jervell and Lange-Nielsen syndrome 1. Last evaluated: 2018-11-19. Review status: criteria provided, single submitter. Criteria: ICSL Variant Classification Criteria 13 December 2019. Collection method: clinical testing. Allele origin: germline.
Comment: This variant was observed as part of a predisposition screen in an ostensibly healthy population. A literature search was performed for the gene, cDNA change, and amino acid change (where applicable). No publications were found based on this search. Allele frequency data from public databases allowed determination this variant is unlikely to cause disease. Therefore, this variant is classified as likely benign.

Illumina Laboratory Services, Illumina
Classification: Likely benign for Long QT syndrome 1. Last evaluated: 2018-11-19. Review status: criteria provided, single submitter. Criteria: ICSL Variant Classification Criteria 13 December 2019. Collection method: clinical testing. Allele origin: germline.
Comment: the same text as in the submission from Illumina Laboratory Services, Illumina above.

Illumina Laboratory Services, Illumina
Classification: Likely benign for Atrial fibrillation, familial, 3. Last evaluated: 2018-11-19. Review status: criteria provided, single submitter. Criteria: ICSL Variant Classification Criteria 13 December 2019. Collection method: clinical testing. Allele origin: germline.
Comment: the same text as in the submission from Illumina Laboratory Services, Illumina above.

Illumina Laboratory Services, Illumina
Classification: Likely benign for Short QT syndrome type 2. Last evaluated: 2018-11-19. Review status: criteria provided, single submitter. Criteria: ICSL Variant Classification Criteria 13 December 2019. Collection method: clinical testing. Allele origin: germline.
Comment: the same text as in the submission from Illumina Laboratory Services, Illumina above.

Laboratory for Molecular Medicine, Mass General Brigham Personalized Medicine
Classification: Likely benign. Last evaluated: 2016-10-18. Review status: criteria provided, single submitter. Criteria: LMM Criteria. Collection method: clinical testing. Allele origin: germline. Observed: 6 variant alleles.
Comment: p.Ala69Ala variant in exon 1 of KCNQ1: This variant is not expected to have cli nical significance because it does not alter an amino acid residue, it is not lo cated within the splice consensus sequence, and it has been identified in 0.3% ( 10/3698) of European chromosomes by the Exome Aggregation Consortium (ExAC).

Ambry Genetics
Classification: Likely benign for Cardiovascular phenotype. Last evaluated: 2016-06-02. Review status: criteria provided, single submitter. Criteria: Ambry Variant Classification Scheme 2023. Collection method: clinical testing. Allele origin: germline.

Mayo Clinic Laboratories, Mayo Clinic
Classification: Benign. Last evaluated: 2016-02-02. Review status: criteria provided, single submitter. Criteria: ACMG Guidelines, 2015. Collection method: clinical testing. Allele origin: germline. Observed: 3 variant alleles.

GeneDx
Classification: Benign. Last evaluated: 2012-03-07. Review status: criteria provided, single submitter. Criteria: GeneDx Variant Classification (06012015). Collection method: clinical testing. Allele origin: germline. Affected: yes.
Comment: This variant is considered likely benign or benign based on one or more of the following criteria: it is a conservative change, it occurs at a poorly conserved position in the protein, it is predicted to be benign by multiple in silico algorithms, and/or has population frequency not consistent with disease.

Breakthrough Genomics
Classification: Likely benign. Review status: criteria provided, single submitter. Criteria: ACMG Guidelines, 2015. Collection method: not provided. Allele origin: germline. Inheritance: Autosomal recessive inheritance. Affected: yes.

Clinical Genetics DNA and cytogenetics Diagnostics Lab, Erasmus MC, Erasmus Medical Center
Classification: Likely benign. Review status: no assertion criteria provided. Collection method: clinical testing. Allele origin: germline. Affected: yes. Study: VKGL Data-share Consensus. Not counted in ClinVar's aggregate classification.

Clinical Genetics, Academic Medical Center
Classification: Benign. Review status: no assertion criteria provided. Collection method: clinical testing. Allele origin: germline. Affected: yes. Study: VKGL Data-share Consensus. Not counted in ClinVar's aggregate classification.

Genome Diagnostics Laboratory, University Medical Center Utrecht
Classification: Benign. Review status: no assertion criteria provided. Collection method: clinical testing. Allele origin: germline. Affected: yes. Study: VKGL Data-share Consensus. Not counted in ClinVar's aggregate classification.

Joint Genome Diagnostic Labs from Nijmegen and Maastricht, Radboudumc and MUMC+
Classification: Likely benign. Review status: no assertion criteria provided. Collection method: clinical testing. Allele origin: germline. Affected: yes. Study: VKGL Data-share Consensus. Not counted in ClinVar's aggregate classification.